The following is an entry in ClinVar:

NM_012186.3(FOXE3):c.577C>T (p.Pro193Ser)

Genes: FOXE3 (forkhead box E3; plus strand), LINC01389 (long independently transcribed non-coding RNA 1389; minus strand). Cytogenetic location: 1p33.
Variant type: single nucleotide variant.
Coding change: c.577C>T on transcript NM_012186.3 (MANE Select); coding-DNA position 577, C replaced by T.
Protein change: p.Pro193Ser; replaces proline 193 with serine.
Molecular consequence: missense variant.
Genome position (GRCh38, 1-based): chr1:47,416,892, C>T. VCF-style: chr1-47416892-C-T. GRCh37 (hg19) VCF-style: chr1-47882564-C-T.
Other names: short protein forms P193S.
Identifiers: ClinVar variation 3516699 (VCV003516699.2).

ClinVar aggregate classification (germline): Uncertain significance. Review status: criteria provided, multiple submitters, no conflicts (2 of 4 stars). 2 submissions from 2 submitters: Uncertain significance (2). Last evaluated 2025-08-25.

Conditions:
Cardiovascular phenotype. Identifiers: MedGen CN230736.
Anterior segment dysgenesis. Also called: Ocular anterior segment dysgenesis. Identifiers: Orphanet 88632, MedGen C1862839, MONDO:0019503, HP:0007700.
Congenital primary aphakia. Also called: Anterior segment dysgenesis 2, multiple subtypes; ANTERIOR SEGMENT DYSGENESIS 2. Identifiers: Orphanet 83461, MedGen C1853230, MONDO:0012456, OMIM 610256.

Submissions (2):

Labcorp Genetics (formerly Invitae), Labcorp
Classification: Uncertain significance for Anterior segment dysgenesis; Congenital primary aphakia. Last evaluated: 2025-08-25. Review status: criteria provided, single submitter. Criteria: Invitae Variant Classification Sherloc (09022015). Collection method: clinical testing. Allele origin: germline.
Comment: This sequence change replaces proline, which is neutral and non-polar, with serine, which is neutral and polar, at codon 193 of the FOXE3 protein (p.Pro193Ser). This variant is not present in population databases (gnomAD no frequency). This variant has not been reported in the literature in individuals affected with FOXE3-related conditions. ClinVar contains an entry for this variant (Variation ID: 3516699). Invitae Evidence Modeling of protein sequence and biophysical properties (such as structural, functional, and spatial information, amino acid conservation, physicochemical variation, residue mobility, and thermodynamic stability) indicates that this missense variant is not expected to disrupt FOXE3 protein function with a negative predictive value of 80%. In summary, the available evidence is currently insufficient to determine the role of this variant in disease. Therefore, it has been classified as a Variant of Uncertain Significance.

Ambry Genetics
Classification: Uncertain significance for Cardiovascular phenotype. Last evaluated: 2024-10-14. Review status: criteria provided, single submitter. Criteria: Ambry Variant Classification Scheme 2023. Collection method: clinical testing. Allele origin: germline.
Comment: The p.P193S variant (also known as c.577C>T), located in coding exon 1 of the FOXE3 gene, results from a C to T substitution at nucleotide position 577. The proline at codon 193 is replaced by serine, an amino acid with similar properties. This amino acid position is conserved. In addition, this alteration is predicted to be tolerated by in silico analysis. Based on the available evidence, the clinical significance of this variant remains unclear.